The following is an entry in ClinVar:

NM_016628.5(WAC):c.1445C>T (p.Thr482Ile)

Gene: WAC (WW domain containing adaptor with coiled-coil; plus strand). Cytogenetic location: 10p12.1.
Variant type: single nucleotide variant.
Coding change: c.1445C>T on transcript NM_016628.5 (MANE Select); coding-DNA position 1445, C replaced by T.
Protein change: p.Thr482Ile; replaces threonine 482 with isoleucine.
Molecular consequence: missense variant.
Genome position (GRCh38, 1-based): chr10:28,614,574, C>T. VCF-style: chr10-28614574-C-T. GRCh37 (hg19) VCF-style: chr10-28903503-C-T.
Other names: c.1310C>T, p.Thr437Ile (NM_100264.3); c.1136C>T, p.Thr379Ile (NM_100486.4); short protein forms T379I, T437I, T482I.
Identifiers: ClinVar variation 4821866 (VCV004821866.4).
Genomic context (GRCh38, chr10:28,614,574, plus strand): 5'-GGAGAGATGTGGATTAGATTTGGAGACCATCTCACCAGATTTTGACATTTCAGGTTAGTA[C>T]TCCAGTAGTTAAGCAAGGACCAGTGTCACAGTCAGCCACACAGCAGCCTGTAACTGCTGA-3'
Protein context (NP_057712.2, residues 472-492): PPVSSQPKVS[Thr482Ile]PVVKQGPVSQ

ClinVar aggregate classification (germline): Likely benign (1 of 4 stars; one submission).

gnomAD v4.1: 6 of 1,613,752 alleles (0.00037%); highest among the groups gnomAD compares: Admixed American, 0.0067%; no homozygotes.

Submission:

CeGaT Center for Human Genetics Tuebingen
Classification: Likely benign. Last evaluated: 2026-03-01. Review status: criteria provided, single submitter. Criteria: CeGaT Center For Human Genetics Tuebingen Variant Classification Criteria Version 2. Collection method: clinical testing. Allele origin: germline. Affected: yes. Observed: 1 variant allele.
Comment: WAC: BS2